The following is an entry in ClinVar:

NM_003000.3(SDHB):c.238A>G (p.Lys80Glu)

Gene: SDHB (succinate dehydrogenase complex iron sulfur subunit B; minus strand). Cytogenetic location: 1p36.13.
Variant type: single nucleotide variant.
Coding change: c.238A>G on transcript NM_003000.3 (MANE Select); coding-DNA position 238, A replaced by G.
Protein change: p.Lys80Glu; replaces lysine 80 with glutamic acid.
Molecular consequence: missense variant.
Genome position (GRCh38, 1-based): chr1:17,033,108, T>C on the plus strand (A>G on the coding strand, the complement: SDHB is on the minus strand). VCF-style: chr1-17033108-T-C. GRCh37 (hg19) VCF-style: chr1-17359603-T-C.
Other names: short protein forms K80E.
Identifiers: ClinVar variation 428920 (VCV000428920.12), dbSNP rs1131691051, ClinGen allele CA338276567.

ClinVar aggregate classification (germline): Conflicting classifications of pathogenicity. Review status: criteria provided, conflicting classifications (1 of 4 stars). 2 submissions from 2 submitters: Likely pathogenic (1); Uncertain significance (1). Last evaluated 2025-07-24.

Conditions:
Pheochromocytoma/paraganglioma syndrome 4. Also called: PARAGANGLIOMA, FAMILIAL MALIGNANT; PARAGANGLIOMAS, HEREDITARY EXTRAADRENAL; PHEOCHROMOCYTOMA, FAMILIAL EXTRAADRENAL; Paragangliomas 4; CAROTID BODY TUMORS AND MULTIPLE EXTRAADRENAL PHEOCHROMOCYTOMAS; SDHB-Related Hereditary Paraganglioma-Pheochromocytoma Syndrome (Paragangliomas 4). Identifiers: Orphanet 29072, MedGen C1861848, MONDO:0007273, OMIM 115310.
Gastrointestinal stromal tumor. Also called: Gastrointestinal stroma tumor; Gastrointestinal stromal tumor, somatic. Identifiers: Orphanet 44890, MedGen C0238198, MeSH D046152, MONDO:0011719, OMIM 606764, HP:0100723.
Pheochromocytoma. Also called: MAX-Related Hereditary Paraganglioma-Pheochromocytoma Syndrome. Identifiers: Orphanet 29072, MedGen C0031511, MONDO:0008233, OMIM 171300, HP:0002666.
Hereditary cancer-predisposing syndrome. Also called: Neoplastic Syndromes, Hereditary; Hereditary Cancer Syndrome; Hereditary neoplastic syndrome; Tumor predisposition. Identifiers: Orphanet 140162, MedGen C0027672, MeSH D009386, MONDO:0015356.

Submissions (2):

Labcorp Genetics (formerly Invitae), Labcorp
Classification: Uncertain significance for Gastrointestinal stromal tumor; Pheochromocytoma/paraganglioma syndrome 4; Pheochromocytoma. Last evaluated: 2025-07-24. Review status: criteria provided, single submitter. Criteria: Invitae Variant Classification Sherloc (09022015). Collection method: clinical testing. Allele origin: germline.
Comment: This sequence change replaces lysine, which is basic and polar, with glutamic acid, which is acidic and polar, at codon 80 of the SDHB protein (p.Lys80Glu). This variant is not present in population databases (gnomAD no frequency). This missense change has been observed in individual(s) with head and neck paraganglioma (PMID: 19351833, 31492822). ClinVar contains an entry for this variant (Variation ID: 428920). Invitae Evidence Modeling of protein sequence and biophysical properties (such as structural, functional, and spatial information, amino acid conservation, physicochemical variation, residue mobility, and thermodynamic stability) indicates that this missense variant is expected to disrupt SDHB protein function with a positive predictive value of 80%. Experimental studies have shown that this missense change affects SDHB function (PMID: 23175444). In summary, the available evidence is currently insufficient to determine the role of this variant in disease. Therefore, it has been classified as a Variant of Uncertain Significance.

Ambry Genetics
Classification: Likely pathogenic for Hereditary cancer-predisposing syndrome. Last evaluated: 2024-03-20. Review status: criteria provided, single submitter. Criteria: Ambry Variant Classification Scheme 2023. Collection method: clinical testing. Allele origin: germline.
Comment: The p.K80E variant (also known as c.238A>G) is located in coding exon 3 of the SDHB gene. This alteration results from a A to G substitution at nucleotide position 238. The lysine at codon 80 is replaced by glutamate, an amino acid with similar properties. This variant has been observed in multiple individuals with a personal and/or family history that is consistent with SDHB-related paraganglioma-pheochromocytoma syndrome (Neumann HP et al. Cancer Res. 2009 Apr 15;69(8):3650-6; Ambry internal data). According to results from a functional study in yeast, this alteration showed no increased sensitivity to oxidative stress and no increase of mitochondrial DNA mutability; however residual SDH enzyme activity was reduced to 50% (Panizza E et al. Hum Mol Genet. 2012 Nov 21). Based on internal structural analysis, p.K80E is more disruptive to the structure of SDHB than pathogenic variants in the same domain (Ambry internal data). This amino acid position is highly conserved in available vertebrate species. In addition, this alteration is predicted to be deleterious by in silico analysis. Based on the majority of available evidence to date, this variant is likely to be pathogenic.

Literature cited by the submitters: PubMed 19351833 (cited by Labcorp Genetics (formerly Invitae), Labcorp and Ambry Genetics); PubMed 31492822 (cited by Labcorp Genetics (formerly Invitae), Labcorp); PubMed 23175444 (cited by Labcorp Genetics (formerly Invitae), Labcorp and Ambry Genetics).